The following is an entry in ClinVar:

NM_021267.5(CERS1):c.549C>T (p.His183=)

Genes: CERS1 (ceramide synthase 1; minus strand), GDF1 (growth differentiation factor 1; minus strand). Cytogenetic location: 19p13.11.
Variant type: single nucleotide variant.
Coding change: c.549C>T on transcript NM_021267.5 (MANE Select); coding-DNA position 549, C replaced by T.
Protein change: p.His183=; no amino-acid change (histidine 183 retained).
Molecular consequence: synonymous variant. On other transcripts: 5 prime UTR variant (2).
Genome position (GRCh38, 1-based): chr19:18,884,128, G>A on the plus strand (C>T on the coding strand, the complement: CERS1 is on the minus strand). VCF-style: chr19-18884128-G-A. GRCh37 (hg19) VCF-style: chr19-18994937-G-A.
Other names: c.255C>T, p.His85= (NM_001290265.2, NM_001387442.1, NM_001387443.1 and 2 more transcripts); c.549C>T, p.His183= (NM_001387439.1, NM_001387440.1, NM_001387441.1 and 1 more transcripts); c.-354C>T (NM_001387438.1); c.-774C>T (NM_001492.6).
Identifiers: ClinVar variation 1674175 (VCV001674175.11), dbSNP rs200024180, ClinGen allele CA9318234.
Genomic context (GRCh38, chr19:18,884,128, plus strand): 5'-CACCCGATCCTGTCCTTACCGGAAGGCGTAGGAGGAGACGATGAGGATGAGAGTGACCAC[G>A]TGGTGGAGCAGCATGACCACCGAGTCCTTGCGCCAGGTGTCCATGTATAGCGTAGCGTAG-3'
Protein context (NP_067090.1, residues 173-193): RKDSVVMLLH[His183=]VVTLILIVSS

ClinVar aggregate classification (germline): Likely benign. Review status: criteria provided, multiple submitters, no conflicts (2 of 4 stars). 3 submissions from 3 submitters: Likely benign (2). 1 of the submissions does not count toward it. Last evaluated 2025-09-15.

Conditions:
Progressive myoclonic epilepsy type 8. Identifiers: Orphanet 424027, MedGen C5190825, MONDO:0014545, OMIM 616230.
CERS1-related disorder. Also called: CERS1-related condition.

Allele frequency attached by ClinVar (database versions not stated): gnomAD exomes 0.00004 and 0.00005; TOPMed 0.00005; ExAC 0.00008; ESP Exome Variant Server 0.00008; gnomAD 0.00009; 1000 Genomes Project 30x 0.00016; 1000 Genomes Project 0.00020.
gnomAD v4.1: 69 of 1,613,558 alleles (0.0043%); highest among the groups gnomAD compares: Middle Eastern, 0.033%; no homozygotes.

Submissions (3):

Labcorp Genetics (formerly Invitae), Labcorp
Classification: Likely benign for Progressive myoclonic epilepsy type 8. Last evaluated: 2025-09-15. Review status: criteria provided, single submitter. Criteria: Invitae Variant Classification Sherloc (09022015). Collection method: clinical testing. Allele origin: germline.

Blueprint Genetics
Classification: Likely benign. Last evaluated: 2024-06-27. Review status: criteria provided, single submitter. Criteria: ACMG Guidelines, 2015. Collection method: clinical testing. Allele origin: germline.

PreventionGenetics, part of Exact Sciences
Classification: Likely benign for CERS1-related condition. Last evaluated: 2019-07-10. Review status: no assertion criteria provided. Collection method: clinical testing. Allele origin: germline. Not counted in ClinVar's aggregate classification.
Comment: This variant is classified as likely benign based on ACMG/AMP sequence variant interpretation guidelines (Richards et al. 2015 PMID: 25741868, with internal and published modifications).